The following is an entry in ClinVar:

ClinVar aggregate classification (germline): Uncertain significance (1 of 4 stars; one submission).

Submission:

GeneDx
Classification: Uncertain significance. Last evaluated: 2024-11-26. Review status: criteria provided, single submitter. Criteria: GeneDx Variant Classification Process June 2021. Collection method: clinical testing. Allele origin: germline. Affected: yes.
Comment: Has not been previously published as pathogenic or benign to our knowledge; Not observed at significant frequency in large population cohorts (gnomAD); In silico analysis indicates that this missense variant does not alter protein structure/function

NM_001375380.1(EBF3):c.547A>G (p.Ile183Val)

Gene: EBF3 (EBF transcription factor 3; minus strand). Cytogenetic location: 10q26.3.
Variant type: single nucleotide variant.
Coding change: c.547A>G on transcript NM_001375380.1 (MANE Select); coding-DNA position 547, A replaced by G.
Protein change: p.Ile183Val; replaces isoleucine 183 with valine.
Molecular consequence: missense variant.
Genome position (GRCh38, 1-based): chr10:129,957,265, T>C on the plus strand (A>G on the coding strand, the complement: EBF3 is on the minus strand). VCF-style: chr10-129957265-T-C. GRCh37 (hg19) VCF-style: chr10-131755529-T-C.
Other names: c.547A>G, p.Ile183Val (NM_001005463.3, NM_001375379.1, NM_001375389.1 and 3 more transcripts); short protein forms I183V.
Identifiers: ClinVar variation 3900887 (VCV003900887.1).